The following is an entry in ClinVar:

NM_014141.6(CNTNAP2):c.2290C>A (p.His764Asn)

Gene: CNTNAP2 (contactin associated protein 2; plus strand). Cytogenetic location: 7q35.
Variant type: single nucleotide variant.
Coding change: c.2290C>A on transcript NM_014141.6 (MANE Select); coding-DNA position 2290, C replaced by A.
Protein change: p.His764Asn; replaces histidine 764 with asparagine.
Molecular consequence: missense variant.
Genome position (GRCh38, 1-based): chr7:147,977,896, C>A. VCF-style: chr7-147977896-C-A. GRCh37 (hg19) VCF-style: chr7-147674988-C-A.
Other names: p.H764N:CAC>AAC; short protein forms H764N.
Identifiers: ClinVar variation 205263 (VCV000205263.8), dbSNP rs201446615, ClinGen allele CA314160.

ClinVar aggregate classification (germline): Uncertain significance. Review status: criteria provided, multiple submitters, no conflicts (2 of 4 stars). 3 submissions from 3 submitters: Uncertain significance (2). 1 of the submissions does not count toward it. Last evaluated 2024-11-18.

Conditions:
Self-limited epilepsy with centrotemporal spikes. Also called: Rolandic epilepsy; Childhood epilepsy with centrotemporal spikes. Identifiers: Orphanet 1945, MedGen C0376532, MONDO:0007295.
Cortical dysplasia-focal epilepsy syndrome (PTHSL1). Also called: Pitt-Hopkins-like syndrome 1. Identifiers: Orphanet 163681, Orphanet 221150, MedGen C2750246, MONDO:0012400, OMIM 610042.

Allele frequency attached by ClinVar (database versions not stated): ExAC 0.00001; gnomAD 0.00001; gnomAD exomes 0.00002; TOPMed 0.00002.
gnomAD v4.1: 33 of 1,613,980 alleles (0.002%); highest among the groups gnomAD compares: Non-Finnish European, 0.0027%; no homozygotes.

Submissions (3):

Labcorp Genetics (formerly Invitae), Labcorp
Classification: Uncertain significance for Cortical dysplasia-focal epilepsy syndrome. Last evaluated: 2024-11-18. Review status: criteria provided, single submitter. Criteria: Invitae Variant Classification Sherloc (09022015). Collection method: clinical testing. Allele origin: germline.
Comment: This sequence change replaces histidine, which is basic and polar, with asparagine, which is neutral and polar, at codon 764 of the CNTNAP2 protein (p.His764Asn). This variant is present in population databases (rs201446615, gnomAD 0.004%). This missense change has been observed in individual(s) with Rolandic epilepsy or atypical Rolandic epilepsy (PMID: 29358611). ClinVar contains an entry for this variant (Variation ID: 205263). An algorithm developed to predict the effect of missense changes on protein structure and function (PolyPhen-2) suggests that this variant is likely to be disruptive. In summary, the available evidence is currently insufficient to determine the role of this variant in disease. Therefore, it has been classified as a Variant of Uncertain Significance.

GeneDx
Classification: Uncertain significance. Last evaluated: 2015-09-01. Review status: criteria provided, single submitter. Criteria: GeneDx Variant Classification (06012015). Collection method: clinical testing. Allele origin: germline. Affected: yes.
Comment: p.His764Asn (CAC>AAC): c.2290 C>A in exon 15 of the CNTNAP2 gene (NM_014141.5). The H764N variant has not been published as a mutation, nor has it been reported as a benign polymorphism to our knowledge. It was not observed in approximately 6,500 individuals of European and African American ancestry in the NHLBI Exome Sequencing Project, indicating it is not a common benign variant in these populations. The H764N variant is a semi-conservative amino acid substitution, which may impact secondary protein structure as these residues differ in some properties. This substitution occurs at a position that is conserved across species and in silico analysis predicts this variant is probably damaging to the protein structure/function. However, no missense mutations in nearby residues have been reported. Therefore, based on the currently available information, it is unclear whether this variant is a pathogenic mutation or a rare benign variant. The variant is found in EPILEPSY panel(s).

Bioinformatics Core, Luxembourg Center for Systems Biomedicine
Classification: Pathogenic for Self-limited epilepsy with centrotemporal spikes. Last evaluated: 2017-01-01. Review status: no assertion criteria provided. Collection method: case-control. Allele origin: germline. Affected: yes. Study: EUROEPINOMICS COGIE. Not counted in ClinVar's aggregate classification.

Literature cited by the submitters: PubMed 29358611 (cited by Labcorp Genetics (formerly Invitae), Labcorp and Bioinformatics Core, Luxembourg Center for Systems Biomedicine).